The following is an entry in ClinVar:

ClinVar aggregate classification (germline): Uncertain significance (1 of 4 stars; one submission).

Submission:

Labcorp Genetics (formerly Invitae), Labcorp
Classification: Uncertain significance. Last evaluated: 2023-12-11. Review status: criteria provided, single submitter. Criteria: Invitae Variant Classification Sherloc (09022015). Collection method: clinical testing. Allele origin: germline.
Comment: This sequence change replaces glutamic acid, which is acidic and polar, with glutamine, which is neutral and polar, at codon 226 of the NAXE protein (p.Glu226Gln). This variant is not present in population databases (gnomAD no frequency). This variant has not been reported in the literature in individuals affected with NAXE-related conditions. ClinVar contains an entry for this variant (Variation ID: 2008370). Advanced modeling of protein sequence and biophysical properties (such as structural, functional, and spatial information, amino acid conservation, physicochemical variation, residue mobility, and thermodynamic stability) performed at Invitae indicates that this missense variant is expected to disrupt NAXE protein function with a positive predictive value of 80%. In summary, the available evidence is currently insufficient to determine the role of this variant in disease. Therefore, it has been classified as a Variant of Uncertain Significance.

NM_144772.3(NAXE):c.676G>C (p.Glu226Gln)

Gene: NAXE (NAD(P)HX epimerase; plus strand). Cytogenetic location: 1q22.
Variant type: single nucleotide variant.
Coding change: c.676G>C on transcript NM_144772.3 (MANE Select); coding-DNA position 676, G replaced by C.
Protein change: p.Glu226Gln; replaces glutamic acid 226 with glutamine.
Molecular consequence: missense variant.
Genome position (GRCh38, 1-based): chr1:156,593,893, G>C. VCF-style: chr1-156593893-G-C. GRCh37 (hg19) VCF-style: chr1-156563685-G-C.
Other names: short protein forms E226Q.
Identifiers: ClinVar variation 2008370 (VCV002008370.4), dbSNP rs2526052789, ClinGen allele CA342876495.